The following is an entry in ClinVar:

NM_000388.4(CASR):c.385T>G (p.Cys129Gly)

Gene: CASR (calcium sensing receptor; plus strand). Cytogenetic location: 3q21.1.
Variant type: single nucleotide variant.
Coding change: c.385T>G on transcript NM_000388.4 (MANE Select); coding-DNA position 385, T replaced by G.
Protein change: p.Cys129Gly; replaces cysteine 129 with glycine.
Molecular consequence: missense variant.
Genome position (GRCh38, 1-based): chr3:122,257,280, T>G. VCF-style: chr3-122257280-T-G. GRCh37 (hg19) VCF-style: chr3-121976127-T-G.
Other names: c.385T>G, p.Cys129Gly (NM_001178065.2); short protein forms C129G.
Identifiers: ClinVar variation 3775585 (VCV003775585.1).

ClinVar aggregate classification (germline): Uncertain significance (1 of 4 stars; one submission).

Conditions:
Autosomal dominant hypocalcemia 1 (HYPOC1). Also called: HYPOCALCEMIA, FAMILIAL. Identifiers: MedGen C3715128, MONDO:0011013, OMIM 601198.

Submission:

3billion
Classification: Uncertain significance for Autosomal dominant hypocalcemia 1. Last evaluated: 2023-06-19. Review status: criteria provided, single submitter. Criteria: ACMG Guidelines, 2015. Collection method: clinical testing. Allele origin: germline. Affected: yes.
Comment: The variant is not observed in the gnomAD v2.1.1 dataset. Predicted Consequence/Location: Missense variant In silico tool predictions suggest damaging effect of the variant on gene or gene product (REVEL: 0.83; 3Cnet: 0.99). Different missense changes at the same codon (p.Cys129Arg, p.Cys129Phe, p.Cys129Ser, p.Cys129Tyr) have been reported to be associated with CASR related disorder (ClinVar ID: VCV000975963 /PMID: 11013439, 11289719, 16128246, 19179454, 24042516). However the evidence of pathogenicity is insufficient at this time. Therefore, this variant is classified as VUS according to the recommendation of ACMG/AMP guideline.

Literature cited by the submitters: PubMed 11013439.